The following is an entry in ClinVar:

ClinVar aggregate classification (germline): Likely benign (0 of 4 stars; one submission).

Conditions:
MTMR8-related disorder. Also called: MTMR8-related condition.

Allele frequency attached by ClinVar (database versions not stated): ESP Exome Variant Server 0.00028; gnomAD exomes 0.00034; ExAC 0.00042; 1000 Genomes Project 0.00106; 1000 Genomes Project 30x 0.00125.
gnomAD v4.1: 401 of 1,205,756 alleles (0.033%); highest among the groups gnomAD compares: Middle Eastern, 0.55%; 1 homozygote.

Submission:

PreventionGenetics, part of Exact Sciences
Classification: Likely benign for MTMR8-related condition. Last evaluated: 2019-05-24. Review status: no assertion criteria provided. Collection method: clinical testing. Allele origin: germline.
Comment: This variant is classified as likely benign based on ACMG/AMP sequence variant interpretation guidelines (Richards et al. 2015 PMID: 25741868, with internal and published modifications).

NM_017677.4(MTMR8):c.1521G>A (p.Leu507=)

Gene: MTMR8 (myotubularin related protein 8; minus strand). Cytogenetic location: Xq11.2.
Variant type: single nucleotide variant.
Coding change: c.1521G>A on transcript NM_017677.4 (MANE Select); coding-DNA position 1521, G replaced by A.
Protein change: p.Leu507=; no amino-acid change (leucine 507 retained).
Molecular consequence: synonymous variant.
Genome position (GRCh38, 1-based): chrX:64,271,034, C>T on the plus strand (G>A on the coding strand, the complement: MTMR8 is on the minus strand). VCF-style: chrX-64271034-C-T. GRCh37 (hg19) VCF-style: chrX-63490914-C-T.
Identifiers: ClinVar variation 3039134 (VCV003039134.2), dbSNP rs142247409, ClinGen allele CA10432887.